The following is an entry in ClinVar:

ClinVar aggregate classification (germline): Uncertain significance (1 of 4 stars; one submission).

Conditions:
Typical absence seizure. Identifiers: MedGen C5551411, HP:0011147.
Myoclonic epilepsy, juvenile, susceptibility to, 1. Also called: Myoclonic Epilepsy, Juvenile, 1; EJM1. Identifiers: MedGen C1850778, MONDO:0020752, OMIM 254770.

Allele frequency attached by ClinVar (database versions not stated): gnomAD exomes below 0.00001; ExAC 0.00001.
gnomAD v4.1: 4 of 1,614,154 alleles (0.00025%); highest among the groups gnomAD compares: South Asian, 0.0044%; no homozygotes.

Submission:

Labcorp Genetics (formerly Invitae), Labcorp
Classification: Uncertain significance for Myoclonic epilepsy, juvenile, susceptibility to, 1; Absence seizure. Last evaluated: 2019-09-02. Review status: criteria provided, single submitter. Criteria: Invitae Variant Classification Sherloc (09022015). Collection method: clinical testing. Allele origin: germline.
Comment: This sequence change creates a premature translational stop signal (p.Gln76*) in the EFHC1 gene. It is expected to result in an absent or disrupted protein product. This variant is present in population databases (rs11552772, ExAC 0.006%). This variant has not been reported in the literature in individuals with EFHC1-related conditions. The current clinical and genetic evidence is not sufficient to establish whether loss-of-function variants in EFHC1 cause disease. In summary, the available evidence is currently insufficient to determine the role of this variant in disease. Therefore, it has been classified as a Variant of Uncertain Significance.

NM_018100.4(EFHC1):c.226C>T (p.Gln76Ter)

Gene: EFHC1 (EF-hand domain containing 1; plus strand). Cytogenetic location: 6p12.2.
Variant type: single nucleotide variant.
Coding change: c.226C>T on transcript NM_018100.4 (MANE Select); coding-DNA position 226, C replaced by T.
Protein change: p.Gln76Ter; replaces glutamine 76 with a stop codon.
Molecular consequence: nonsense. On other transcripts: non-coding transcript variant (1).
Genome position (GRCh38, 1-based): chr6:52,424,108, C>T. VCF-style: chr6-52424108-C-T. GRCh37 (hg19) VCF-style: chr6-52288906-C-T.
Other names: c.169C>T, p.Gln57Ter (NM_001172420.2); short protein forms Q57*, Q76*.
Identifiers: ClinVar variation 942183 (VCV000942183.4), dbSNP rs11552772, ClinGen allele CA3855695.